The following is an entry in ClinVar:

ClinVar aggregate classification (germline): Uncertain significance (1 of 4 stars; one submission).

Allele frequency attached by ClinVar (database versions not stated): gnomAD exomes below 0.00001; TOPMed below 0.00001.
gnomAD v4.1: 1 of 1,613,330 alleles (0.000062%); highest among the groups gnomAD compares: Non-Finnish European, 0.000085%; no homozygotes.

Submission:

Labcorp Genetics (formerly Invitae), Labcorp
Classification: Uncertain significance. Last evaluated: 2022-10-05. Review status: criteria provided, single submitter. Criteria: Invitae Variant Classification Sherloc (09022015). Collection method: clinical testing. Allele origin: germline.
Comment: This variant is not present in population databases (gnomAD no frequency). In summary, the available evidence is currently insufficient to determine the role of this variant in disease. Therefore, it has been classified as a Variant of Uncertain Significance. Advanced modeling of protein sequence and biophysical properties (such as structural, functional, and spatial information, amino acid conservation, physicochemical variation, residue mobility, and thermodynamic stability) performed at Invitae indicates that this missense variant is not expected to disrupt LZTFL1 protein function. ClinVar contains an entry for this variant (Variation ID: 1047291). This variant has not been reported in the literature in individuals affected with LZTFL1-related conditions. This sequence change replaces threonine, which is neutral and polar, with isoleucine, which is neutral and non-polar, at codon 146 of the LZTFL1 protein (p.Thr146Ile).

NM_020347.4(LZTFL1):c.437C>T (p.Thr146Ile)

Gene: LZTFL1 (leucine zipper transcription factor like 1; minus strand). Cytogenetic location: 3p21.31.
Variant type: single nucleotide variant.
Coding change: c.437C>T on transcript NM_020347.4 (MANE Select); coding-DNA position 437, C replaced by T.
Protein change: p.Thr146Ile; replaces threonine 146 with isoleucine.
Molecular consequence: missense variant. On other transcripts: non-coding transcript variant (1).
Genome position (GRCh38, 1-based): chr3:45,833,069, G>A on the plus strand (C>T on the coding strand, the complement: LZTFL1 is on the minus strand). VCF-style: chr3-45833069-G-A. GRCh37 (hg19) VCF-style: chr3-45874561-G-A.
Other names: c.386C>T, p.Thr129Ile (NM_001276378.2, NM_001386451.1); c.425C>T, p.Thr142Ile (NM_001276379.2); c.437C>T, p.Thr146Ile (NM_001386452.1); short protein forms T129I, T142I, T146I.
Identifiers: ClinVar variation 1047291 (VCV001047291.5), dbSNP rs1700874189, ClinGen allele CA352451334.